The following is an entry in ClinVar:

NM_006005.3(WFS1):c.317T>A (p.Val106Glu)

Gene: WFS1 (wolframin ER transmembrane glycoprotein; plus strand). Cytogenetic location: 4p16.1.
Variant type: single nucleotide variant.
Coding change: c.317T>A on transcript NM_006005.3 (MANE Select); coding-DNA position 317, T replaced by A.
Protein change: p.Val106Glu; replaces valine 106 with glutamic acid.
Molecular consequence: missense variant.
Genome position (GRCh38, 1-based): chr4:6,288,988, T>A. VCF-style: chr4-6288988-T-A. GRCh37 (hg19) VCF-style: chr4-6290715-T-A.
Other names: c.317T>A, p.Val106Glu (NM_001145853.1); short protein forms V106E.
Identifiers: ClinVar variation 3371080 (VCV003371080.2).

ClinVar aggregate classification (germline): Uncertain significance. Review status: criteria provided, multiple submitters, no conflicts (2 of 4 stars). 2 submissions from 2 submitters: Uncertain significance (2). Last evaluated 2024-03-17.

gnomAD v4.1: 9 of 1,607,336 alleles (0.00056%); highest among the groups gnomAD compares: Non-Finnish European, 0.000085%; no homozygotes.

Submissions (2):

GeneDx
Classification: Uncertain significance. Last evaluated: 2024-03-17. Review status: criteria provided, single submitter. Criteria: GeneDx Variant Classification Process June 2021. Collection method: clinical testing. Allele origin: germline. Affected: yes.
Comment: In silico analysis supports that this missense variant has a deleterious effect on protein structure/function; Has been observed in a patient with diabetes in optic atrophy who also harbored a splice variant in this gene; however phase of these two variants was not determined in this report (PMID: 36418577); This variant is associated with the following publications: (PMID: 36418577)

Blueprint Genetics
Classification: Uncertain significance. Last evaluated: 2023-09-06. Review status: criteria provided, single submitter. Criteria: ACMG Guidelines, 2015. Collection method: clinical testing. Allele origin: germline.